The following continues an entry in ClinVar:

NM_001267550.2(TTN):c.1066G>C (p.Glu356Gln)

Gene: TTN. ClinVar aggregate classification (germline): Conflicting classifications of pathogenicity. Uncertain significance (11); Benign (1); Likely benign (4).

Submissions 13 to 17 of 17:

Illumina Laboratory Services, Illumina
Classification: Benign for Tibial muscular dystrophy. Last evaluated: 2018-01-12. Review status: criteria provided, single submitter. Criteria: ICSL Variant Classification Criteria 13 December 2019. Collection method: clinical testing. Allele origin: germline.
Comment: This variant was observed in the ICSL laboratory as part of a predisposition screen in an ostensibly healthy population. It had not been previously curated by ICSL or reported in the Human Gene Mutation Database (HGMD: prior to June 1st, 2018), and was therefore a candidate for classification through an automated scoring system. Utilizing variant allele frequency, disease prevalence and penetrance estimates, and inheritance mode, an automated score was calculated to assess if this variant is too frequent to cause the disease. Based on the score and internal cut-off values, a variant classified as benign is not then subjected to further curation. The score for this variant resulted in a classification of benign for this disease.

Eurofins Ntd Llc (ga)
Classification: Uncertain significance. Last evaluated: 2017-07-03. Review status: criteria provided, single submitter. Criteria: EGL Classification Definitions 2015. Collection method: clinical testing. Allele origin: germline. Observed: 1 variant allele, 1 heterozygote.

Labcorp Genetics (formerly Invitae), Labcorp
Classification: Uncertain significance for Dilated cardiomyopathy 1G; Autosomal recessive limb-girdle muscular dystrophy type 2J. Last evaluated: 2017-05-20. Review status: criteria provided, single submitter. Criteria: Invitae Variant Classification Sherloc (09022015). Collection method: clinical testing. Allele origin: germline.

Laboratory for Molecular Medicine, Mass General Brigham Personalized Medicine
Classification: Uncertain significance. Last evaluated: 2015-07-29. Review status: criteria provided, single submitter. Criteria: LMM Criteria. Collection method: clinical testing. Allele origin: germline. Observed: 1 variant allele.
Comment: The p.Glu356Gln variant in TTN has not been previously reported in individuals w ith cardiomyopathy, but has been identified in 8/66726 European chromosomes and 5/11572 Latino chromosomes by the Exome Aggregation Consortium (ExAC; dbSNP rs144531477). Computational prediction tools and con servation analysis suggest that this variant may impact the protein, though this information is not predictive enough to determine pathogenicity. In summary, th e clinical significance of the p.Glu356Gln variant is uncertain.

GeneDx
No classification provided. Last evaluated: 2013-01-09. Review status: no classification provided. Criteria: GeneDx Variant Classification (06012015). Collection method: clinical testing. Allele origin: germline. Affected: yes. Not counted in ClinVar's aggregate classification.
Comment: Missense variants in the TTN gene are considered 'unclassified' if they are not previously reported in the literature and do not have >1% frequency in the population to be considered a polymorphism. Research indicates that truncating mutations in the TTN gene are expected to account for approximately 25% of familial and 18% of sporadic idiopathic DCM; however, truncating variants in the TTN gene have been reported in approximately 3% of reported control alleles. There has been little investigation into non-truncating variants. (Herman D et al. Truncations of titin causing dilated cardiomyopathy. N Eng J Med 366:619-628, 2012) The variant is found in DCM panel(s).

Literature cited by the submitters: PubMed 35548885 (cited by Women's Health and Genetics/Laboratory Corporation of America, LabCorp); PubMed 38612618 (cited by Women's Health and Genetics/Laboratory Corporation of America, LabCorp).